The following is an entry in ClinVar:

NM_001378452.1(ITPR1):c.1492G>T (p.Val498Phe)

Gene: ITPR1 (inositol 1,4,5-trisphosphate receptor type 1; plus strand). Cytogenetic location: 3p26.1.
Variant type: single nucleotide variant.
Coding change: c.1492G>T on transcript NM_001378452.1 (MANE Select); coding-DNA position 1492, G replaced by T.
Protein change: p.Val498Phe; replaces valine 498 with phenylalanine.
Molecular consequence: missense variant.
Genome position (GRCh38, 1-based): chr3:4,663,144, G>T. VCF-style: chr3-4663144-G-T. GRCh37 (hg19) VCF-style: chr3-4704828-G-T.
Other names: c.1492G>T, p.Val498Phe (NM_001099952.4); c.1447G>T, p.Val483Phe (NM_001168272.2, NM_002222.7); short protein forms V483F, V498F.
Identifiers: ClinVar variation 1254280 (VCV001254280.7), dbSNP rs756745652, ClinGen allele CA2231200.

ClinVar aggregate classification (germline): Uncertain significance. Review status: criteria provided, multiple submitters, no conflicts (2 of 4 stars). 2 submissions from 2 submitters: Uncertain significance (2). Last evaluated 2024-09-16.

Allele frequency attached by ClinVar (database versions not stated): gnomAD 0.00002; TOPMed 0.00002; ExAC 0.00003.
gnomAD v4.1: 25 of 1,613,690 alleles (0.0015%); highest among the groups gnomAD compares: Admixed American, 0.015%; no homozygotes.

Submissions (2):

Labcorp Genetics (formerly Invitae), Labcorp
Classification: Uncertain significance. Last evaluated: 2024-09-16. Review status: criteria provided, single submitter. Criteria: Invitae Variant Classification Sherloc (09022015). Collection method: clinical testing. Allele origin: germline.
Comment: This sequence change replaces valine, which is neutral and non-polar, with phenylalanine, which is neutral and non-polar, at codon 483 of the ITPR1 protein (p.Val483Phe). This variant is present in population databases (rs756745652, gnomAD 0.02%). This variant has not been reported in the literature in individuals affected with ITPR1-related conditions. ClinVar contains an entry for this variant (Variation ID: 1254280). Invitae Evidence Modeling of protein sequence and biophysical properties (such as structural, functional, and spatial information, amino acid conservation, physicochemical variation, residue mobility, and thermodynamic stability) has been performed for this missense variant. However, the output from this modeling did not meet the statistical confidence thresholds required to predict the impact of this variant on ITPR1 protein function. In summary, the available evidence is currently insufficient to determine the role of this variant in disease. Therefore, it has been classified as a Variant of Uncertain Significance.

GeneDx
Classification: Uncertain significance. Last evaluated: 2021-06-28. Review status: criteria provided, single submitter. Criteria: GeneDx Variant Classification Process June 2021. Collection method: clinical testing. Allele origin: germline. Affected: yes.
Comment: In silico analysis supports that this missense variant has a deleterious effect on protein structure/function; Has not been previously published as pathogenic or benign to our knowledge; This variant is associated with the following publications: (PMID: 27535533)